The following is an entry in ClinVar:

ClinVar aggregate classification (germline): Uncertain significance. Review status: criteria provided, multiple submitters, no conflicts (2 of 4 stars). 2 submissions from 2 submitters: Uncertain significance (2). Last evaluated 2024-12-19.

Conditions:
Oto-palato-digital syndrome, type II (OPD2). Also called: FACIOPALATOOSSEOUS SYNDROME; OPD II SYNDROME; Otopalatodigital Syndrome, Type II; Otopalatodigital Syndrome Type 2 (FLNA-OPD2). Identifiers: Orphanet 669, Orphanet 90652, MedGen C1844696, MONDO:0010571, OMIM 304120.
Frontometaphyseal dysplasia (FMD1). Identifiers: Orphanet 1826, MedGen C0265293, MONDO:0015942.
Melnick-Needles syndrome (MNS). Also called: MELNICK-NEEDLES OSTEODYSPLASTY; OSTEODYSPLASTY OF MELNICK AND NEEDLES; Melnick-Needles Syndrome (FLNA-MNS). Identifiers: Orphanet 2484, MedGen C0025237, MONDO:0010650, OMIM 309350.
Heterotopia, periventricular, X-linked dominant (PVNH1). Also called: PERIVENTRICULAR NODULAR HETEROTOPIA 4; HETEROTOPIA, PERIVENTRICULAR, 1; PERIVENTRICULAR NODULAR HETEROTOPIA 1; X-linked periventricular heterotopia. Identifiers: Orphanet 2149, Orphanet 82004, MedGen C1848213, MONDO:0010233, OMIM 300049.

Allele frequency attached by ClinVar (database versions not stated): gnomAD 0.00001; gnomAD exomes 0.00001; TOPMed below 0.00001.
gnomAD v4.1: 16 of 1,209,944 alleles (0.0013%); highest among the groups gnomAD compares: Non-Finnish European, 0.0018%; no homozygotes.

Submissions (2):

Labcorp Genetics (formerly Invitae), Labcorp
Classification: Uncertain significance for Oto-palato-digital syndrome, type II; Heterotopia, periventricular, X-linked dominant; Frontometaphyseal dysplasia; Melnick-Needles syndrome. Last evaluated: 2024-12-19. Review status: criteria provided, single submitter. Criteria: Invitae Variant Classification Sherloc (09022015). Collection method: clinical testing. Allele origin: germline.
Comment: This sequence change replaces tyrosine, which is neutral and polar, with cysteine, which is neutral and slightly polar, at codon 2371 of the FLNA protein (p.Tyr2371Cys). This variant is not present in population databases (gnomAD no frequency). This variant has not been reported in the literature in individuals affected with FLNA-related conditions. ClinVar contains an entry for this variant (Variation ID: 2194619). Invitae Evidence Modeling of protein sequence and biophysical properties (such as structural, functional, and spatial information, amino acid conservation, physicochemical variation, residue mobility, and thermodynamic stability) indicates that this missense variant is not expected to disrupt FLNA protein function with a negative predictive value of 95%. In summary, the available evidence is currently insufficient to determine the role of this variant in disease. Therefore, it has been classified as a Variant of Uncertain Significance.

GeneDx
Classification: Uncertain significance. Last evaluated: 2023-11-10. Review status: criteria provided, single submitter. Criteria: GeneDx Variant Classification Process June 2021. Collection method: clinical testing. Allele origin: germline. Affected: yes.
Comment: Has not been previously published as pathogenic or benign to our knowledge in association with a FLNA-related disorder; In silico analysis supports that this missense variant has a deleterious effect on protein structure/function; This variant is associated with the following publications: (PMID: 31322791)

NM_001110556.2(FLNA):c.7136A>G (p.Tyr2379Cys)

Gene: FLNA (filamin A; minus strand). Cytogenetic location: Xq28.
Variant type: single nucleotide variant.
Coding change: c.7136A>G on transcript NM_001110556.2 (MANE Select); coding-DNA position 7136, A replaced by G.
Protein change: p.Tyr2379Cys; replaces tyrosine 2379 with cysteine.
Molecular consequence: missense variant.
Genome position (GRCh38, 1-based): chrX:154,350,929, T>C on the plus strand (A>G on the coding strand, the complement: FLNA is on the minus strand). VCF-style: chrX-154350929-T-C. GRCh37 (hg19) VCF-style: chrX-153579297-T-C.
Other names: c.7112A>G (NM_001456.3); c.7112A>G, p.Tyr2371Cys (NM_001456.4); short protein forms Y2371C, Y2379C.
Identifiers: ClinVar variation 2194619 (VCV002194619.5), dbSNP rs1206916365, ClinGen allele CA415184780.